The following is an entry in ClinVar:

NM_018082.6(POLR3B):c.2405C>G (p.Pro802Arg)

Gene: POLR3B (RNA polymerase III subunit B; plus strand). Cytogenetic location: 12q23.3.
Variant type: single nucleotide variant.
Coding change: c.2405C>G on transcript NM_018082.6 (MANE Select); coding-DNA position 2405, C replaced by G.
Protein change: p.Pro802Arg; replaces proline 802 with arginine.
Molecular consequence: missense variant.
Genome position (GRCh38, 1-based): chr12:106,457,249, C>G. VCF-style: chr12-106457249-C-G. GRCh37 (hg19) VCF-style: chr12-106851027-C-G.
Other names: c.2231C>G, p.Pro744Arg (NM_001160708.2); short protein forms P802R, P744R.
Identifiers: ClinVar variation 2743260 (VCV002743260.3), dbSNP rs2137030478, ClinGen allele CA386388787.

ClinVar aggregate classification (germline): Uncertain significance (1 of 4 stars; one submission).

Submission:

Labcorp Genetics (formerly Invitae), Labcorp
Classification: Uncertain significance. Last evaluated: 2024-10-15. Review status: criteria provided, single submitter. Criteria: Invitae Variant Classification Sherloc (09022015). Collection method: clinical testing. Allele origin: germline.
Comment: This sequence change replaces proline, which is neutral and non-polar, with arginine, which is basic and polar, at codon 802 of the POLR3B protein (p.Pro802Arg). This variant is not present in population databases (gnomAD no frequency). This variant has not been reported in the literature in individuals affected with POLR3B-related conditions. Invitae Evidence Modeling of protein sequence and biophysical properties (such as structural, functional, and spatial information, amino acid conservation, physicochemical variation, residue mobility, and thermodynamic stability) indicates that this missense variant is not expected to disrupt POLR3B protein function with a negative predictive value of 80%. In summary, the available evidence is currently insufficient to determine the role of this variant in disease. Therefore, it has been classified as a Variant of Uncertain Significance.